The following is an entry in ClinVar:

ClinVar aggregate classification (germline): Uncertain significance (1 of 4 stars; one submission).

Conditions:
Hereditary cancer-predisposing syndrome. Also called: Hereditary Cancer Syndrome; Hereditary neoplastic syndrome; Neoplastic Syndromes, Hereditary; Tumor predisposition. Identifiers: Orphanet 140162, MedGen C0027672, MeSH D009386, MONDO:0015356.

Submission:

Ambry Genetics
Classification: Uncertain significance for Hereditary cancer-predisposing syndrome. Last evaluated: 2019-05-17. Review status: criteria provided, single submitter. Criteria: Ambry Variant Classification Scheme 2023. Collection method: clinical testing. Allele origin: germline.
Comment: The p.T520A variant (also known as c.1558A>G), located in coding exon 11 of the BMPR1A gene, results from an A to G substitution at nucleotide position 1558. The threonine at codon 520 is replaced by alanine, an amino acid with similar properties. This amino acid position is highly conserved in available vertebrate species. In addition, this alteration is predicted to be deleterious by in silico analysis. Since supporting evidence is limited at this time, the clinical significance of this alteration remains unclear.

NM_004329.3(BMPR1A):c.1558A>G (p.Thr520Ala)

Gene: BMPR1A (bone morphogenetic protein receptor type 1A; plus strand). Cytogenetic location: 10q23.2.
Variant type: single nucleotide variant.
Coding change: c.1558A>G on transcript NM_004329.3 (MANE Select); coding-DNA position 1558, A replaced by G.
Protein change: p.Thr520Ala; replaces threonine 520 with alanine.
Molecular consequence: missense variant.
Genome position (GRCh38, 1-based): chr10:86,923,678, A>G. VCF-style: chr10-86923678-A-G. GRCh37 (hg19) VCF-style: chr10-88683435-A-G.
Other names: c.1558A>G, p.Thr520Ala (NM_001406570.1, NM_001406571.1, NM_001406572.1 and 19 more transcripts); c.1552A>G, p.Thr518Ala (NM_001406583.1); c.1474A>G, p.Thr492Ala (NM_001406584.1, NM_001406585.1, NM_001406586.1 and 2 more transcripts); c.1216A>G, p.Thr406Ala (NM_001406589.1); c.1633A>G, p.Thr545Ala (NM_001406559.1); c.1606A>G, p.Thr536Ala (NM_001406560.1); short protein forms T406A, T492A, T520A, T536A, T518A, T545A.
Identifiers: ClinVar variation 1775192 (VCV001775192.2), dbSNP rs2539652527, ClinGen allele CA377463957.